The following is an entry in ClinVar:

ClinVar aggregate classification (germline): Conflicting classifications of pathogenicity. Review status: criteria provided, conflicting classifications (1 of 4 stars). 7 submissions from 7 submitters: Uncertain significance (1); Likely benign (4). 2 of the submissions do not count toward it. Last evaluated 2025-12-26.

Conditions:
LYST-related disorder. Also called: LYST-related condition.
Chédiak-Higashi syndrome (CHS). Also called: Chediak-Higashi Syndrome. Identifiers: Orphanet 167, MedGen C0007965, MONDO:0008963, OMIM 214500.

Allele frequency attached by ClinVar (database versions not stated): gnomAD exomes 0.00010 and 0.00025; TOPMed 0.00011; ExAC 0.00013; gnomAD 0.00013 and 0.00014; ESP Exome Variant Server 0.00023.
gnomAD v4.1: 380 of 1,613,534 alleles (0.024%); highest among the groups gnomAD compares: Non-Finnish European, 0.031%; no homozygotes.

Submissions (7):

Labcorp Genetics (formerly Invitae), Labcorp
Classification: Likely benign for Chédiak-Higashi syndrome. Last evaluated: 2025-12-26. Review status: criteria provided, single submitter. Criteria: Invitae Variant Classification Sherloc (09022015). Collection method: clinical testing. Allele origin: germline.

Mayo Clinic Laboratories, Mayo Clinic
Classification: Likely benign. Last evaluated: 2025-09-19. Review status: criteria provided, single submitter. Criteria: ACMG Guidelines, 2015. Collection method: clinical testing. Allele origin: germline. Observed: 3 variant alleles.
Comment: BP4, BP7

PreventionGenetics, part of Exact Sciences
Classification: Likely benign for LYST-related condition. Last evaluated: 2025-05-01. Review status: criteria provided, single submitter. Criteria: ACMG Guidelines, 2015. Collection method: clinical testing. Allele origin: germline.
Comment: This variant is classified as likely benign based on ACMG/AMP sequence variant interpretation guidelines (Richards et al. 2015 PMID: 25741868, with internal and published modifications).

CeGaT Center for Human Genetics Tuebingen
Classification: Likely benign. Last evaluated: 2023-03-01. Review status: criteria provided, single submitter. Criteria: CeGaT Center For Human Genetics Tuebingen Variant Classification Criteria Version 2. Collection method: clinical testing. Allele origin: germline. Affected: yes. Observed: 1 variant allele.
Comment: LYST: BP4, BP7

Illumina Laboratory Services, Illumina
Classification: Uncertain significance for Chédiak-Higashi syndrome. Last evaluated: 2018-01-13. Review status: criteria provided, single submitter. Criteria: ICSL Variant Classification Criteria 13 December 2019. Collection method: clinical testing. Allele origin: germline.

Clinical Genetics DNA and cytogenetics Diagnostics Lab, Erasmus MC, Erasmus Medical Center
Classification: Uncertain significance. Review status: no assertion criteria provided. Collection method: clinical testing. Allele origin: germline. Affected: yes. Study: VKGL Data-share Consensus. Not counted in ClinVar's aggregate classification.

Clinical Genetics, Academic Medical Center
Classification: Uncertain significance. Review status: no assertion criteria provided. Collection method: clinical testing. Allele origin: germline. Affected: yes. Study: VKGL Data-share Consensus. Not counted in ClinVar's aggregate classification.

NM_000081.4(LYST):c.7806A>G (p.Gln2602=)

Gene: LYST (lysosomal trafficking regulator; minus strand). Cytogenetic location: 1q42.3.
Variant type: single nucleotide variant.
Coding change: c.7806A>G on transcript NM_000081.4 (MANE Select); coding-DNA position 7806, A replaced by G.
Protein change: p.Gln2602=; no amino-acid change (glutamine 2602 retained).
Molecular consequence: synonymous variant.
Genome position (GRCh38, 1-based): chr1:235,746,502, T>C on the plus strand (A>G on the coding strand, the complement: LYST is on the minus strand). VCF-style: chr1-235746502-T-C. GRCh37 (hg19) VCF-style: chr1-235909802-T-C.
Other names: p.Gln2602=; c.7806A>G, p.Gln2602= (NM_001301365.1).
Identifiers: ClinVar variation 296378 (VCV000296378.44), dbSNP rs372754364, ClinGen allele CA1466018.
Genomic context (GRCh38, chr1:235,746,502, plus strand): 5'-CATCATCACATGAAGCTCATCATTTGCCACTGAACGCATTTTCATCAGAAGCGATTCAGT[T>C]TGAGCAAGGGGAAATTTTCGAGGACCTTTAAAAGTATATAAATTAAAACATCAAATCCCA-3'
Protein context (NP_000072.2, residues 2592-2612): IAGPRKFPLA[Gln2602=]TESLLMKMRS